The following is an entry in ClinVar:

NM_031935.3(HMCN1):c.4703A>C (p.Glu1568Ala)

Gene: HMCN1 (hemicentin 1; plus strand). Cytogenetic location: 1q31.1.
Variant type: single nucleotide variant.
Coding change: c.4703A>C on transcript NM_031935.3 (MANE Select); coding-DNA position 4703, A replaced by C.
Protein change: p.Glu1568Ala; replaces glutamic acid 1568 with alanine.
Molecular consequence: missense variant.
Genome position (GRCh38, 1-based): chr1:186,015,231, A>C. VCF-style: chr1-186015231-A-C. GRCh37 (hg19) VCF-style: chr1-185984363-A-C.
Other names: short protein forms E1568A.
Identifiers: ClinVar variation 2467258 (VCV002467258.5), dbSNP rs149696231, ClinGen allele CA1292082.
Genomic context (GRCh38, chr1:186,015,231, plus strand): 5'-TTAAAGGAGGAAATGTCACCACAGACATATCAGTATTGATCAACAGCCTTATTAAACTGG[A>C]ATGTGAAACACGGGGACTTCCAATGCCTGCCATTACTTGGTATAAGGACGGGCAGCCAAT-3'
Protein context (NP_114141.2, residues 1558-1578): SVLINSLIKL[Glu1568Ala]CETRGLPMPA

ClinVar aggregate classification (germline): Uncertain significance. Review status: criteria provided, multiple submitters, no conflicts (2 of 4 stars). 2 submissions from 2 submitters: Uncertain significance (2). Last evaluated 2025-11-18.

Allele frequency attached by ClinVar (database versions not stated): gnomAD 0.00001; ESP Exome Variant Server 0.00015; ExAC 0.00002; TOPMed 0.00002.
gnomAD v4.1: 16 of 1,613,600 alleles (0.00099%); highest among the groups gnomAD compares: Non-Finnish European, 0.0014%; no homozygotes.

Submissions (2):

Labcorp Genetics (formerly Invitae), Labcorp
Classification: Uncertain significance. Last evaluated: 2025-11-18. Review status: criteria provided, single submitter. Criteria: Invitae Variant Classification Sherloc (09022015). Collection method: clinical testing. Allele origin: germline.
Comment: This sequence change replaces glutamic acid, which is acidic and polar, with alanine, which is neutral and non-polar, at codon 1568 of the HMCN1 protein (p.Glu1568Ala). This variant is present in population databases (rs149696231, gnomAD 0.003%). This variant has not been reported in the literature in individuals affected with HMCN1-related conditions. ClinVar contains an entry for this variant (Variation ID: 2467258). An algorithm developed to predict the effect of missense changes on protein structure and function (PolyPhen-2) suggests that this variant is likely to be disruptive. In summary, the available evidence is currently insufficient to determine the role of this variant in disease. Therefore, it has been classified as a Variant of Uncertain Significance.

Ambry Genetics
Classification: Uncertain significance. Last evaluated: 2023-01-17. Review status: criteria provided, single submitter. Criteria: Ambry Variant Classification Scheme 2023. Collection method: clinical testing. Allele origin: germline.